The following is an entry in ClinVar:

ClinVar aggregate classification (germline): Uncertain significance (1 of 4 stars; one submission).

Submission:

GeneDx
Classification: Uncertain significance. Last evaluated: 2017-08-23. Review status: criteria provided, single submitter. Criteria: GeneDx Variant Classification (06012015). Collection method: clinical testing. Allele origin: germline. Affected: yes.
Comment: To our knowledge, the S1066R variant has not been published as a pathogenic variant, nor has it been reported as a benign variant. It was not observed in approximately 6,500 individuals of European and African American ancestry in the NHLBI Exome Sequencing Project, indicating it is not a common benign variant in these populations. S1066R is a conservative amino acid substitution, which is not likely to impact secondary protein structure as these residues share similar properties. The S1066R variant is a semi-conservative amino acid substitution, which may impact secondary protein structure as these residues differ in some properties. This substitution occurs at a position that is conserved across species; however, in-silico analysis is inconsistent in its predictions as to whether or not the variant is damaging to the protein structure/function. Therefore, based on the currently available information, it is unclear whether this variant is a pathogenic variant or a rare benign variant.

NM_005633.4(SOS1):c.3198T>G (p.Ser1066Arg)

Gene: SOS1 (SOS Ras/Rac guanine nucleotide exchange factor 1; minus strand). Cytogenetic location: 2p22.1.
Variant type: single nucleotide variant.
Coding change: c.3198T>G on transcript NM_005633.4 (MANE Select); coding-DNA position 3198, T replaced by G.
Protein change: p.Ser1066Arg; replaces serine 1066 with arginine.
Molecular consequence: missense variant.
Genome position (GRCh38, 1-based): chr2:38,995,271, A>C on the plus strand (T>G on the coding strand, the complement: SOS1 is on the minus strand). VCF-style: chr2-38995271-A-C. GRCh37 (hg19) VCF-style: chr2-39222412-A-C.
Other names: c.3177T>G, p.Ser1059Arg (NM_001382394.1); c.3198T>G, p.Ser1066Arg (NM_001382395.1); short protein forms S1066R, S1059R.
Identifiers: ClinVar variation 280232 (VCV000280232.2), dbSNP rs886041475, ClinGen allele CA10602869.